The following is an entry in ClinVar:

NM_016654.5(GABPB1):c.583+37G>T

Gene: GABPB1 (GA binding protein transcription factor subunit beta 1; minus strand). Cytogenetic location: 15q21.2.
Variant type: single nucleotide variant.
Coding change: c.583+37G>T on transcript NM_016654.5 (MANE Select); 37 bases into the intron after coding-DNA position 583, G replaced by T.
Molecular consequence: intron variant. On other transcripts: splice donor variant (4).
Genome position (GRCh38, 1-based): chr15:50,301,220, C>A on the plus strand (G>T on the coding strand, the complement: GABPB1 is on the minus strand). VCF-style: chr15-50301220-C-A. GRCh37 (hg19) VCF-style: chr15-50593417-C-A.
Other names: NC_000015.9:g.50593417C>A; c.619+1G>T (NM_005254.6, NM_001320915.2, NM_001320910.2 and 1 more transcripts); c.583+37G>T (NM_016655.5, NM_181427.4).
Identifiers: ClinVar variation 2645327 (VCV002645327.25), dbSNP rs80042819, ClinGen allele CA7555185.

ClinVar aggregate classification (germline): Likely benign (1 of 4 stars; one submission).

Allele frequency attached by ClinVar (database versions not stated): 1000 Genomes Project 30x 0.00219; 1000 Genomes Project 0.00220; gnomAD 0.00293; TOPMed 0.00318; gnomAD exomes 0.00344; ESP Exome Variant Server 0.00347; ExAC 0.00377.
gnomAD v4.1: 5,501 of 1,612,706 alleles (0.34%); highest among the groups gnomAD compares: Middle Eastern, 1.2%; 19 homozygotes.

Submissions (6):

CeGaT Center for Human Genetics Tuebingen
Classification: Likely benign. Last evaluated: 2022-11-01. Review status: criteria provided, single submitter. Criteria: CeGaT Center For Human Genetics Tuebingen Variant Classification Criteria Version 2. Collection method: clinical testing. Allele origin: germline. Affected: yes. Observed: 1 variant allele.
Comment: GABPB1: BS2

Dr. Peter K. Rogan Lab, Western University
No classification provided (evidence only). Condition: Melanoma. Review status: no classification provided. Collection method: in vitro. Allele origin: not applicable. Functional consequence: retained intron. Not counted in ClinVar's aggregate classification.

Dr. Peter K. Rogan Lab, Western University
No classification provided (evidence only). Condition: Melanoma. Review status: no classification provided. Collection method: in vitro. Allele origin: not applicable. Functional consequence: retained intron. Not counted in ClinVar's aggregate classification.

Dr. Peter K. Rogan Lab, Western University
No classification provided (evidence only). Condition: Acute myeloid leukemia. Review status: no classification provided. Collection method: in vitro. Allele origin: not applicable. Functional consequence: retained intron. Not counted in ClinVar's aggregate classification.

Dr. Peter K. Rogan Lab, Western University
No classification provided (evidence only). Condition: Sarcoma. Review status: no classification provided. Collection method: in vitro. Allele origin: not applicable. Functional consequence: skipped exon. Not counted in ClinVar's aggregate classification.

Dr. Peter K. Rogan Lab, Western University
No classification provided (evidence only). Condition: Thymoma. Review status: no classification provided. Collection method: in vitro. Allele origin: not applicable. Functional consequence: retained intron. Not counted in ClinVar's aggregate classification.